The following is an entry in ClinVar:

ClinVar aggregate classification (germline): Pathogenic (1 of 4 stars; one submission).

Conditions:
Polycystic kidney disease, adult type (PKD1). Also called: Polycystic Kidney, Autosomal Dominant; POLYCYSTIC KIDNEY DISEASE 1 WITH OR WITHOUT POLYCYSTIC LIVER DISEASE; POLYCYSTIC KIDNEY DISEASE, ADULT, TYPE I; Polycystic Kidney Disease 1, Autosomal Dominant; Polycystic kidney disease 1; Polycystic kidney disease 1, severe. Identifiers: MedGen C3149841, MONDO:0008263, OMIM 173900.

Submission:

Juno Genomics, Hangzhou Juno Genomics, Inc
Classification: Pathogenic for Polycystic kidney disease, adult type. Review status: criteria provided, single submitter. Criteria: ACMG Guidelines, 2015. Collection method: clinical testing. Allele origin: germline. Affected: yes.
Comment: Null variant in a gene where loss of function (LOF) is a known mechanism of disease.;Absent from controls (or at extremely low frequency if recessive) in Genome Aggregation Database, Exome Sequencing Project, 1000 Genomes Project, or Exome Aggregation Consortium.;Patient's phenotype or family history is highly specific for a disease with a single genetic etiology.

NM_001009944.3(PKD1):c.11352_11355del (p.Trp3785fs)

Genes: PKD1 (polycystin 1, transient receptor potential channel interacting; minus strand), PKD1-AS1 (PKD1 antisense RNA 1; plus strand). Cytogenetic location: 16p13.3.
Variant type: Deletion.
Coding change: c.11352_11355del on transcript NM_001009944.3 (MANE Select); coding-DNA positions 11352 to 11355, 4 bases deleted (CTGG; older notation c.11352_11355delCTGG).
Protein change: p.Trp3785fs; shifts the reading frame from tryptophan 3785.
Molecular consequence: frameshift variant.
Genome position (GRCh38, 1-based): chr16:2,092,103-2,092,106, CCAG deleted on the plus strand (CTGG on the coding strand, the reverse complement: PKD1 is on the minus strand); deleting any 4 consecutive bases within chr16:2,092,103-2,092,109 gives the same sequence; the c. name uses the placement nearest the transcript's 3' end. VCF-style (leftmost placement, unchanged base first): chr16-2092102-CCCAG-C. GRCh37 (hg19) VCF-style: chr16-2142103-CCCAG-C.
Other names: c.11349_11352del, p.Trp3784fs (NM_000296.4); short protein forms W3784fs, W3785fs.
Identifiers: ClinVar variation 3335879 (VCV003335879.2).